The following is an entry in ClinVar:

NM_000051.4(ATM):c.9031A>G (p.Met3011Val)

Genes: ATM (ATM serine/threonine kinase; plus strand), C11orf65 (chromosome 11 open reading frame 65; minus strand). Cytogenetic location: 11q22.3.
Variant type: single nucleotide variant.
Coding change: c.9031A>G on transcript NM_000051.4 (MANE Select); coding-DNA position 9031, A replaced by G.
Protein change: p.Met3011Val; replaces methionine 3011 with valine.
Molecular consequence: missense variant. On other transcripts: intron variant (2).
Genome position (GRCh38, 1-based): chr11:108,365,368, A>G. VCF-style: chr11-108365368-A-G. GRCh37 (hg19) VCF-style: chr11-108236095-A-G.
Other names: p.M3011V:ATG>GTG; c.9031A>G, p.Met3011Val (NM_001351834.2); c.640+20552T>C (NM_001330368.2); c.694+20552T>C (NM_001351110.2); short protein forms M3011V.
Identifiers: ClinVar variation 181906 (VCV000181906.51), dbSNP rs372795527, ClinGen allele CA298102.
Genomic context (GRCh38, chr11:108,365,368, plus strand): 5'-TGTGTTTTTGTCCTTAGTGATATTGACCAGAGTTTCAACAAAGTAGCTGAACGTGTCTTA[A>G]TGAGACTACAAGAGAAACTGAAAGGAGTGGAAGAAGGCACTGTGCTCAGTGTTGGTGGAC-3'
Protein context (NP_000042.3, residues 3001-3021): SFNKVAERVL[Met3011Val]RLQEKLKGVE

ClinVar aggregate classification (germline): Conflicting classifications of pathogenicity. Review status: criteria provided, conflicting classifications (1 of 4 stars). 15 submissions from 14 submitters: Uncertain significance (13); Likely benign (1). 1 of the submissions does not count toward it. Last evaluated 2026-10-01.

Conditions:
ATM-related disorder. Also called: ATM-related disorders; ATM-related condition.
Hereditary cancer-predisposing syndrome. Also called: Hereditary Cancer Syndrome; Tumor predisposition; Neoplastic Syndromes, Hereditary; Hereditary neoplastic syndrome. Identifiers: Orphanet 140162, MedGen C0027672, MeSH D009386, MONDO:0015356.
Familial cancer of breast. Also called: hereditary breast carcinoma; BREAST CANCER, FAMILIAL; Hereditary breast cancer. Identifiers: Orphanet 227535, MedGen C0346153, MONDO:0016419, OMIM 114480. Disease mechanism: loss of function.
Ataxia-telangiectasia syndrome (AT). Also called: ATAXIA-TELANGIECTASIA, COMPLEMENTATION GROUP A; ATAXIA-TELANGIECTASIA, FRESNO VARIANT; Ataxia-telangiectasia; Ataxia-telangiectasia, complementation group E; Cerebello-oculocutaneous telangiectasia; Immunodeficiency with ataxia telangiectasia. Identifiers: Orphanet 100, MedGen C0004135, MONDO:0008840, OMIM 208900.

Allele frequency attached by ClinVar (database versions not stated): ExAC 0.00004; gnomAD 0.00005 and 0.00004; TOPMed 0.00008; ESP Exome Variant Server 0.00008; gnomAD exomes 0.00004.
gnomAD v4.1: 63 of 1,614,066 alleles (0.0039%); highest among the groups gnomAD compares: Non-Finnish European, 0.0051%; no homozygotes.

Submissions 1 to 7 of 15:

St. Jude Molecular Pathology, St. Jude Children's Research Hospital
Classification: Uncertain significance for Ataxia-telangiectasia syndrome. Last evaluated: 2026-10-01. Review status: criteria provided, single submitter. Criteria: St. Jude Assertion Criteria 2020. Collection method: clinical testing. Allele origin: germline.
Comment: The ATM c.9031A>G p.(Met3011Val) missense change has a maximum subpopulation frequency of 0.0077% in gnomAD v2.1.1. The in silico tool REVEL predicts a benign effect of this variant on protein function, but to our knowledge this prediction has not been confirmed by functional studies. This variant has been reported in individuals with a personal and/or family history of breast and/or cancer (PMID: 11505391, 12810666, 19781682). It is absent in a database of women older than 70 years of age who have never had cancer (FLOSSIES database). To our knowledge, this variant has not been reported in individuals with ataxia telangiectasia. In summary, the evidence currently available is insufficient to determine the clinical significance of this variant. It has therefore been classified as of uncertain significance (VUS-Low).

Labcorp Genetics (formerly Invitae), Labcorp
Classification: Uncertain significance for Ataxia-telangiectasia syndrome. Last evaluated: 2026-01-28. Review status: criteria provided, single submitter. Criteria: Invitae Variant Classification Sherloc (09022015). Collection method: clinical testing. Allele origin: germline.
Comment: This sequence change replaces methionine, which is neutral and non-polar, with valine, which is neutral and non-polar, at codon 3011 of the ATM protein (p.Met3011Val). This variant is present in population databases (rs372795527, gnomAD 0.008%). This missense change has been observed in individual(s) with breast cancer, glioblastoma multiforme, prostate cancer, and pancreatic cancer (PMID: 11505391, 12810666, 19781682, 26689913, 33436325, 35047863). ClinVar contains an entry for this variant (Variation ID: 181906). Invitae Evidence Modeling of protein sequence and biophysical properties (such as structural, functional, and spatial information, amino acid conservation, physicochemical variation, residue mobility, and thermodynamic stability) indicates that this missense variant is not expected to disrupt ATM protein function with a negative predictive value of 95%. In summary, the available evidence is currently insufficient to determine the role of this variant in disease. Therefore, it has been classified as a Variant of Uncertain Significance.

Women's Health and Genetics/Laboratory Corporation of America, LabCorp
Classification: Uncertain significance. Last evaluated: 2026-01-08. Review status: criteria provided, single submitter. Criteria: LabCorp Variant Classification Summary - May 2015. Collection method: clinical testing. Allele origin: germline.
Comment: Variant summary: ATM c.9031A>G (p.Met3011Val) results in a conservative amino acid change located in the Phosphatidylinositol 3-/4-kinase, catalytic domain (IPR000403) of the encoded protein sequence. Algorithms developed to predict the effect of missense changes on protein structure and function are either unavailable or do not agree on the potential impact of this missense change. The variant allele was found at a frequency of 4e-05 in 251442 control chromosomes. This frequency is not significantly higher than estimated for disease-causing variants in ATM, allowing no conclusion about variant significance. c.9031A>G has been reported in the literature in individuals affected with breast cancer (e.g. Tavtigian_2009, Teraoka_2001, Thorstenson_2003) and prostate cancer (e.g. Karlsson_2020) without strong evidence for causality. These reports do not provide unequivocal conclusions about association of the variant with Breast Cancer. At-least one co-occurrence with another pathogenic variant has been observed at our laboratory (APC c.487C>T, p.Gln163Ter), providing supporting evidence for a benign role. To our knowledge, no experimental evidence demonstrating an impact on protein function has been reported. The following publications have been ascertained in the context of this evaluation (PMID: 27200287, 30197789, 33436325, 26689913, 25148578, 19781682, 11505391, 12810666). ClinVar contains an entry for this variant (Variation ID: 181906). Based on the evidence outlined above, the variant was classified as VUS-possibly benign.

Institute for Biomarker Research, Medical Diagnostic Laboratories, L.L.C.
Classification: Uncertain significance for Hereditary cancer-predisposing syndrome. Last evaluated: 2025-07-10. Review status: criteria provided, single submitter. Criteria: ACMG Guidelines, 2015. Collection method: clinical testing. Allele origin: germline.
Comment: The missense variant NM_000051.4(ATM):c.9031A>G (p.Met3011Val) has not been reported previously as a pathogenic variant, to our knowledge. There is a small physicochemical difference between methionine and valine, which is not likely to impact secondary protein structure as these residues share similar properties. The gene ATM has a low rate of benign missense variation as indicated by a high missense variants Z-Score of 2.52. 6 variants within 6 amino acid positions of the variant p.Met3011Val have been shown to be pathogenic, while only 1 have been shown to be benign. There are no benign variants within 3 amino acid positions of the variant p.Met3011Val. For these reasons, this variant has been classified as Uncertain Significance.

GeneDx
Classification: Uncertain significance. Last evaluated: 2025-05-05. Review status: criteria provided, single submitter. Criteria: GeneDx Variant Classification Process June 2021. Collection method: clinical testing. Allele origin: germline. Affected: yes.
Comment: Not observed at significant frequency in large population cohorts (gnomAD); In silico analysis suggests that this missense variant does not alter protein structure/function; Observed in individuals with a personal and/or family history of melanoma, breast, prostate, or pancreatic cancer (PMID: 11505391, 12810666, 19781682, 33436325, 35047863, 34262154); This variant is associated with the following publications: (PMID: 12810666, 11505391, 19781682, 26689913, 27200287, 25742471, 29641532, 30197789, 33436325, 35047863, 25148578, 37450374, 23532176, 34482403, 34262154)

PreventionGenetics, part of Exact Sciences
Classification: Uncertain significance for ATM-related condition. Last evaluated: 2025-03-10. Review status: criteria provided, single submitter. Criteria: ACMG Guidelines, 2015. Collection method: clinical testing. Allele origin: germline.
Comment: The ATM c.9031A>G variant is predicted to result in the amino acid substitution p.Met3011Val. This variant has been reported in multiple individuals with various cancers including breast, prostate, melanoma, and spinal chordoma (see for example, Table1, Teraoka et al. 2001. PubMed ID: 11505391; Table S4, Karlsson et al. 2021. PubMed ID: 33436325; Table S4, Siroy et al. 2014. PubMed ID: 25148578; Aleksic et al. 2016. PubMed ID: 27200287). This variant is reported in 0.0077% of alleles in individuals of European (non-Finnish) descent in gnomAD. This variant has been classified as uncertain by other institutions in the ClinVar database. At this time, the clinical significance of this variant is uncertain due to the absence of conclusive functional and genetic evidence.

Ambry Genetics
Classification: Uncertain significance for Hereditary cancer-predisposing syndrome. Last evaluated: 2024-11-18. Review status: criteria provided, single submitter. Criteria: Ambry Variant Classification Scheme 2023. Collection method: clinical testing. Allele origin: germline.
Comment: The p.M3011V variant (also known as c.9031A>G), located in coding exon 62 of the ATM gene, results from an A to G substitution at nucleotide position 9031. The methionine at codon 3011 is replaced by valine, an amino acid with highly similar properties. This variant has been identified in multiple individuals diagnosed with breast cancer (Teraoka SN et al. Cancer. 2001 Aug;92(3):479-87; Tavtigian SV et al. Am. J. Hum. Genet. 2009 Oct;85(4):427-46). Another study found this alteration in 1 of 270 breast and/or ovarian cancer families (Thorstenson YR et al. Cancer Res. 2003 Jun;63(12):3325-33). This alteration was also reported in 1/5560 prostate cancer cases and in 0/3353 controls of European ancestry (Karlsson Q et al. Eur Urol Oncol, 2021 08;4:570-579). This amino acid position is not well conserved in available vertebrate species. In addition, this alteration is predicted to be tolerated by in silico analysis. Based on the available evidence, the clinical significance of this variant remains unclear.